The following is an entry in ClinVar:

NM_030630.3(HID1):c.1773del (p.Gly592fs)

Gene: HID1 (HID1 domain containing; minus strand). Cytogenetic location: 17q25.1.
Variant type: Deletion.
Coding change: c.1773del on transcript NM_030630.3 (MANE Select); coding-DNA position 1773, one base deleted (C; older notation c.1773delC).
Protein change: p.Gly592fs; shifts the reading frame from glycine 592.
Molecular consequence: frameshift variant.
Genome position (GRCh38, 1-based): chr17:74,954,229, G deleted on the plus strand (C on the coding strand, the reverse complement: HID1 is on the minus strand); the first of 2 consecutive G bases (chr17:74,954,229-74,954,230); deleting either gives the same sequence. VCF-style (leftmost placement, unchanged base first): chr17-74954228-CG-C. GRCh37 (hg19) VCF-style: chr17-72950323-CG-C.
Other names: short protein forms G592fs.
Identifiers: ClinVar variation 5005810 (VCV005005810.2).

ClinVar aggregate classification (germline): Likely pathogenic (1 of 4 stars; one submission).

Conditions:
Developmental and epileptic encephalopathy 105 with hypopituitarism (DEE105). Identifiers: MedGen C5774190, MONDO:0031028, OMIM 619983.

Submission:

Juno Genomics, Hangzhou Juno Genomics, Inc
Classification: Likely pathogenic for Developmental and epileptic encephalopathy 105 with hypopituitarism. Review status: criteria provided, single submitter. Criteria: ACMG Guidelines, 2015. Collection method: clinical testing. Allele origin: germline.
Comment: Null variant in a gene where loss of function (LOF) is a known mechanism of disease.;Absent from controls (or at extremely low frequency if recessive) in Genome Aggregation Database.